The following is an entry in ClinVar:

NM_000170.3(GLDC):c.2203-20G>A

Gene: GLDC (glycine decarboxylase; minus strand). Cytogenetic location: 9p24.1.
Variant type: single nucleotide variant.
Coding change: c.2203-20G>A on transcript NM_000170.3 (MANE Select); 20 bases into the intron before coding-DNA position 2203, G replaced by A.
Molecular consequence: intron variant.
Genome position (GRCh38, 1-based): chr9:6,554,801, C>T on the plus strand (G>A on the coding strand, the complement: GLDC is on the minus strand). VCF-style: chr9-6554801-C-T. GRCh37 (hg19) VCF-style: chr9-6554801-C-T.
Identifiers: ClinVar variation 1463271 (VCV001463271.6), dbSNP rs1290189679, ClinGen allele CA585762358.
Genomic context (GRCh38, chr9:6,554,801, plus strand): 5'-GAGACATCAGACCCGAAGTCTCCAGGGCGACAGATTCCCACCTACCACAAAGGCAAGGGC[C>T]AAAAGCAAAAGTCAAGAGCTTGGAAGCACCCTCCAGTGTGAAGGCCATGGCTGGCCGGTG-3'

ClinVar aggregate classification (germline): Uncertain significance (1 of 4 stars; one submission).

Conditions:
Glycine encephalopathy. Also called: Non-ketotic hyperglycinemia; Nonketotic hyperglycinemia. Identifiers: Orphanet 407, MedGen C0751748, MONDO:0011612, HP:0008288.

Submission:

Labcorp Genetics (formerly Invitae), Labcorp
Classification: Uncertain significance for Glycine encephalopathy. Last evaluated: 2021-09-16. Review status: criteria provided, single submitter. Criteria: Invitae Variant Classification Sherloc (09022015). Collection method: clinical testing. Allele origin: germline.
Comment: In summary, the available evidence is currently insufficient to determine the role of this variant in disease. Therefore, it has been classified as a Variant of Uncertain Significance. Algorithms developed to predict the effect of sequence changes on RNA splicing suggest that this variant may create or strengthen a splice site. This variant has not been reported in the literature in individuals affected with GLDC-related conditions. This variant is not present in population databases (ExAC no frequency). This sequence change falls in intron 18 of the GLDC gene. It does not directly change the encoded amino acid sequence of the GLDC protein.